The following is an entry in ClinVar:

ClinVar aggregate classification (germline): Conflicting classifications of pathogenicity. Review status: criteria provided, conflicting classifications (1 of 4 stars). 2 submissions from 2 submitters: Likely pathogenic (1); Uncertain significance (1). Last evaluated 2025-10-06.

Conditions:
Zimmermann-Laband syndrome 1 (ZLS1). Identifiers: Orphanet 3473, MedGen C4551773, MONDO:0024526, OMIM 135500.

Allele frequency attached by ClinVar (database versions not stated): gnomAD exomes below 0.00001.
gnomAD v4.1: 2 of 1,614,128 alleles (0.00012%); highest among the groups gnomAD compares: Non-Finnish European, 0.00017%; no homozygotes.

Submissions (2):

Dasa
Classification: Uncertain significance. Last evaluated: 2025-10-06. Review status: criteria provided, single submitter. Criteria: DASA Assertion Criteria. Collection method: clinical testing. Allele origin: germline.
Comment: NM_172362.3(KCNH1):c.1559G>A (p.Arg520Gln) is a missense variant that results in the substitution of arginine with glutamine. This variant is rare in population databases. Computational prediction algorithms are consistent with a deleterious effect. The currently available literature and clinical evidence are not sufficient to establish a definitive association between this variant and the reported condition. Therefore, this variant is classified as a variant of uncertain significance.

Baylor Genetics
Classification: Likely pathogenic for Zimmermann-Laband syndrome 1. Last evaluated: 2018-08-06. Review status: criteria provided, single submitter. Criteria: ACMG Guidelines, 2015. Collection method: clinical testing. Allele origin: de novo. Affected: yes.
Comment: This variant was determined to be likely pathogenic according to ACMG Guidelines, 2015 [PMID:25741868].

NM_172362.3(KCNH1):c.1559G>A (p.Arg520Gln)

Gene: KCNH1 (potassium voltage-gated channel subfamily H member 1; minus strand). Cytogenetic location: 1q32.2.
Variant type: single nucleotide variant.
Coding change: c.1559G>A on transcript NM_172362.3 (MANE Select); coding-DNA position 1559, G replaced by A.
Protein change: p.Arg520Gln; replaces arginine 520 with glutamine.
Molecular consequence: missense variant.
Genome position (GRCh38, 1-based): chr1:210,804,070, C>T on the plus strand (G>A on the coding strand, the complement: KCNH1 is on the minus strand). VCF-style: chr1-210804070-C-T. GRCh37 (hg19) VCF-style: chr1-210977412-C-T.
Other names: c.1478G>A, p.Arg493Gln (NM_002238.4); short protein forms R520Q, R493Q.
Identifiers: ClinVar variation 1034355 (VCV001034355.3), dbSNP rs1684483227, ClinGen allele CA344874391.
Genomic context (GRCh38, chr1:210,804,070, plus strand): 5'-ATATAATCCATTACTCGCTCACTCAATCCTTTTGGCACCTGGTAGAGCTTCAGGAAGTCC[C>T]GAACACTGTTGAGCATCTCATGGTATCTGTTGGTGTTGGCATACATCTGTTGGAAAATAG-3'
Protein context (NP_758872.1, residues 510-530): NRYHEMLNSV[Arg520Gln]DFLKLYQVPK